The following is an entry in ClinVar:

ClinVar aggregate classification (germline): Uncertain significance (1 of 4 stars; one submission).

Conditions:
Arrhythmogenic right ventricular dysplasia 13. Also called: Arrhythmogenic right ventricular dysplasia, familial, 13; ARRHYTHMOGENIC RIGHT VENTRICULAR CARDIOMYOPATHY 13. Identifiers: MedGen C3810138, MONDO:0000908, OMIM 615616.

Allele frequency attached by ClinVar (database versions not stated): gnomAD exomes below 0.00001.
gnomAD v4.1: 1 of 1,614,164 alleles (0.000062%); highest among the groups gnomAD compares: Non-Finnish European, 0.000085%; no homozygotes.

Submission:

Labcorp Genetics (formerly Invitae), Labcorp
Classification: Uncertain significance for Arrhythmogenic right ventricular dysplasia 13. Last evaluated: 2022-03-12. Review status: criteria provided, single submitter. Criteria: Invitae Variant Classification Sherloc (09022015). Collection method: clinical testing. Allele origin: germline.
Comment: In summary, the available evidence is currently insufficient to determine the role of this variant in disease. Therefore, it has been classified as a Variant of Uncertain Significance. Algorithms developed to predict the effect of missense changes on protein structure and function are either unavailable or do not agree on the potential impact of this missense change (SIFT: "Deleterious"; PolyPhen-2: "Not Available"; Align-GVGD: "Class C0"). This variant has not been reported in the literature in individuals affected with CTNNA3-related conditions. This variant is not present in population databases (gnomAD no frequency). This sequence change replaces lysine, which is basic and polar, with glutamine, which is neutral and polar, at codon 855 of the CTNNA3 protein (p.Lys855Gln).

NM_013266.4(CTNNA3):c.2563A>C (p.Lys855Gln)

Gene: CTNNA3 (catenin alpha 3; minus strand). Cytogenetic location: 10q21.3.
Variant type: single nucleotide variant.
Coding change: c.2563A>C on transcript NM_013266.4 (MANE Select); coding-DNA position 2563, A replaced by C.
Protein change: p.Lys855Gln; replaces lysine 855 with glutamine.
Molecular consequence: missense variant.
Genome position (GRCh38, 1-based): chr10:65,920,455, T>G on the plus strand (A>C on the coding strand, the complement: CTNNA3 is on the minus strand). VCF-style: chr10-65920455-T-G. GRCh37 (hg19) VCF-style: chr10-67680213-T-G.
Other names: c.2563A>C, p.Lys855Gln (NM_001127384.3); short protein forms K855Q.
Identifiers: ClinVar variation 2185152 (VCV002185152.4), dbSNP rs2133105906, ClinGen allele CA377088848.
Genomic context (GRCh38, chr10:65,920,455, plus strand): 5'-AGCCTCGTCTGACAGCTGCACACGTTTCCTCTGGCTTCTCTCTTTTAATCAAGGGTTTTT[T>G]TGCAGGAGCCTTCATTCTCCACATCACAACTGGGTGCCGGGGCCCAGCAGGACTCTGGAT-3'
Protein context (NP_037398.2, residues 845-865): VVMWRMKAPA[Lys855Gln]KPLIKREKPE